The following is an entry in ClinVar:

NM_000153.4(GALC):c.170G>A (p.Gly57Asp)

Genes: GALC (galactosylceramidase; minus strand), LOC130056217 (ATAC-STARR-seq lymphoblastoid silent region 5988; plus strand). Cytogenetic location: 14q31.3.
Variant type: single nucleotide variant.
Coding change: c.170G>A on transcript NM_000153.4 (MANE Select); coding-DNA position 170, G replaced by A.
Protein change: p.Gly57Asp; replaces glycine 57 with aspartic acid.
Molecular consequence: missense variant. On other transcripts: 5 prime UTR variant (3), non-coding transcript variant (1), intron variant (2).
Genome position (GRCh38, 1-based): chr14:87,992,995, C>T on the plus strand (G>A on the coding strand, the complement: GALC is on the minus strand). VCF-style: chr14-87992995-C-T. GRCh37 (hg19) VCF-style: chr14-88459339-C-T.
Other names: c.170G>A, p.Gly57Asp (NM_001201401.2); c.-101G>A (NM_001424072.1); c.-267G>A (NM_001424075.1); c.-498G>A (NM_001424077.1); c.-473+388G>A (NM_001424076.1); c.117+388G>A (NM_001201402.2); c.170G>A (NM_000153.3); short protein forms G57D.
Identifiers: ClinVar variation 2694554 (VCV002694554.4), dbSNP rs1217139658, ClinGen allele CA390771698.

ClinVar aggregate classification (germline): Likely pathogenic. Review status: criteria provided, single submitter (1 of 4 stars). 2 submissions from 2 submitters: Likely pathogenic (1). 1 of the submissions does not count toward it. Last evaluated 2023-11-17.

Conditions:
Galactosylceramide beta-galactosidase deficiency. Also called: Leukodystrophy, Globoid Cell; Krabbe Disease; GALACTOCEREBROSIDASE DEFICIENCY; GALC DEFICIENCY; GLOBOID CELL LEUKOENCEPHALOPATHY. Identifiers: Orphanet 487, MedGen C0023521, MONDO:0009499, OMIM 245200.

Submissions (2):

Labcorp Genetics (formerly Invitae), Labcorp
Classification: Likely pathogenic for Galactosylceramide beta-galactosidase deficiency. Last evaluated: 2023-11-17. Review status: criteria provided, single submitter. Criteria: Invitae Variant Classification Sherloc (09022015). Collection method: clinical testing. Allele origin: germline.
Comment: This sequence change replaces glycine, which is neutral and non-polar, with aspartic acid, which is acidic and polar, at codon 57 of the GALC protein (p.Gly57Asp). This variant is not present in population databases (gnomAD no frequency). This variant has not been reported in the literature in individuals affected with GALC-related conditions. Advanced modeling of protein sequence and biophysical properties (such as structural, functional, and spatial information, amino acid conservation, physicochemical variation, residue mobility, and thermodynamic stability) performed at Invitae indicates that this missense variant is expected to disrupt GALC protein function with a positive predictive value of 95%. This variant disrupts the p.Gly57 amino acid residue in GALC. Other variant(s) that disrupt this residue have been determined to be pathogenic (PMID: 21070211). This suggests that this residue is clinically significant, and that variants that disrupt this residue are likely to be disease-causing. In summary, the currently available evidence indicates that the variant is pathogenic, but additional data are needed to prove that conclusively. Therefore, this variant has been classified as Likely Pathogenic.

Natera, Inc.
Classification: Uncertain significance for Galactosylceramide beta-galactosidase deficiency. Last evaluated: 2025-04-18. Review status: no assertion criteria provided. Collection method: clinical testing. Allele origin: germline. Not counted in ClinVar's aggregate classification.

Literature cited by the submitters: PubMed 21070211 (cited by Labcorp Genetics (formerly Invitae), Labcorp).